The following is an entry in ClinVar:

NM_001329.4(CTBP2):c.58+12852C>G

Gene: CTBP2 (C-terminal binding protein 2; minus strand). Cytogenetic location: 10q26.13.
Variant type: single nucleotide variant.
Coding change: c.58+12852C>G on transcript NM_001329.4 (MANE Select); 12852 bases into the intron after coding-DNA position 58, C replaced by G.
Molecular consequence: intron variant. On other transcripts: missense variant (1).
Genome position (GRCh38, 1-based): chr10:125,026,145, G>C on the plus strand (C>G on the coding strand, the complement: CTBP2 is on the minus strand). VCF-style: chr10-125026145-G-C. GRCh37 (hg19) VCF-style: chr10-126714714-G-C.
Other names: c.1615C>G, p.Gln539Glu (NM_022802.3); c.58+12852C>G (NM_001083914.3, NM_001290214.3, NM_001321012.2 and 3 more transcripts); short protein forms Q539E.
Identifiers: ClinVar variation 3059384 (VCV003059384.2), dbSNP rs2946994, ClinGen allele CA5736157.

ClinVar aggregate classification (germline): Benign (0 of 4 stars; one submission).

Conditions:
CTBP2-related disorder. Also called: CTBP2-related condition.

Allele frequency attached by ClinVar (database versions not stated): TOPMed 0.44062; ESP Exome Variant Server 0.45810; 1000 Genomes Project 30x 0.45924; 1000 Genomes Project 0.46765; ExAC 0.48522.
gnomAD v4.1: 775,035 of 1,605,108 alleles (48%); highest among the groups gnomAD compares: East Asian, 59%; 189,647 homozygotes.

Submission:

PreventionGenetics, part of Exact Sciences
Classification: Benign for CTBP2-related condition. Last evaluated: 2019-10-17. Review status: no assertion criteria provided. Collection method: clinical testing. Allele origin: germline.
Comment: This variant is classified as benign based on ACMG/AMP sequence variant interpretation guidelines (Richards et al. 2015 PMID: 25741868, with internal and published modifications).